The following is an entry in ClinVar:

NM_004329.3(BMPR1A):c.230+8T>C

Gene: BMPR1A (bone morphogenetic protein receptor type 1A; plus strand). Cytogenetic location: 10q23.2.
Variant type: single nucleotide variant.
Coding change: c.230+8T>C on transcript NM_004329.3 (MANE Select); 8 bases into the intron after coding-DNA position 230, T replaced by C.
Molecular consequence: intron variant.
Genome position (GRCh38, 1-based): chr10:86,890,232, T>C. VCF-style: chr10-86890232-T-C. GRCh37 (hg19) VCF-style: chr10-88649989-T-C.
Other names: c.230+8T>C (NM_001406562.1, NM_001406568.1, NM_001406567.1 and 23 more transcripts); c.146+8T>C (NM_001406584.1, NM_001406588.1, NM_001406587.1 and 2 more transcripts).
Identifiers: ClinVar variation 3378449 (VCV003378449.1).

ClinVar aggregate classification (germline): Likely benign (1 of 4 stars; one submission).

Conditions:
Juvenile polyposis syndrome (JPS). Identifiers: Orphanet 2929, MedGen C0345893, MONDO:0017380, OMIM 174900.

Submission:

Myriad Genetics, Inc.
Classification: Likely benign for Juvenile polyposis syndrome. Last evaluated: 2024-07-31. Review status: criteria provided, single submitter. Criteria: Myriad Autosomal Dominant, Autosomal Recessive and X-Linked Classification Criteria (2023). Collection method: clinical testing. Allele origin: unknown.
Comment: This variant is considered likely benign. This variant is intronic and is not expected to impact mRNA splicing.